The following is an entry in ClinVar:

NM_001122659.3(EDNRB):c.227G>T (p.Arg76Met)

Gene: EDNRB (endothelin receptor type B; minus strand). Cytogenetic location: 13q22.3.
Variant type: single nucleotide variant.
Coding change: c.227G>T on transcript NM_001122659.3 (MANE Select); coding-DNA position 227, G replaced by T.
Protein change: p.Arg76Met; replaces arginine 76 with methionine.
Molecular consequence: missense variant.
Genome position (GRCh38, 1-based): chr13:77,918,347, C>A on the plus strand (G>T on the coding strand, the complement: EDNRB is on the minus strand). VCF-style: chr13-77918347-C-A. GRCh37 (hg19) VCF-style: chr13-78492482-C-A.
Other names: c.227G>T (NM_000115.4); c.227G>T, p.Arg76Met (NM_000115.5, NM_003991.4); c.497G>T, p.Arg166Met (NM_001201397.2); short protein forms R166M, R76M.
Identifiers: ClinVar variation 1202544 (VCV001202544.15), dbSNP rs2228271, ClinGen allele CA7012375.

ClinVar aggregate classification (germline): Conflicting classifications of pathogenicity. Review status: criteria provided, conflicting classifications (1 of 4 stars). 4 submissions from 4 submitters: Uncertain significance (1); Likely benign (3). Last evaluated 2025-11-03.

Conditions:
EDNRB-related disorder. Also called: EDNRB-related condition; EDNRB-related disorders.

Allele frequency attached by ClinVar (database versions not stated): gnomAD exomes 0.00014; ExAC 0.00019; ESP Exome Variant Server 0.00031; TOPMed 0.00048; gnomAD 0.00063; 1000 Genomes Project 30x 0.00125; 1000 Genomes Project 0.00140.
gnomAD v4.1: 159 of 1,613,646 alleles (0.0099%); highest among the groups gnomAD compares: African/African-American, 0.18%; no homozygotes.

Submissions (4):

Labcorp Genetics (formerly Invitae), Labcorp
Classification: Likely benign. Last evaluated: 2025-11-03. Review status: criteria provided, single submitter. Criteria: Invitae Variant Classification Sherloc (09022015). Collection method: clinical testing. Allele origin: germline.

PreventionGenetics, part of Exact Sciences
Classification: Likely benign for EDNRB-related condition. Last evaluated: 2025-01-22. Review status: criteria provided, single submitter. Criteria: ACMG Guidelines, 2015. Collection method: clinical testing. Allele origin: germline.
Comment: This variant is classified as likely benign based on ACMG/AMP sequence variant interpretation guidelines (Richards et al. 2015 PMID: 25741868, with internal and published modifications).

Blueprint Genetics
Classification: Likely benign. Last evaluated: 2024-11-12. Review status: criteria provided, single submitter. Criteria: ACMG Guidelines, 2015. Collection method: clinical testing. Allele origin: germline.

GeneDx
Classification: Uncertain significance. Last evaluated: 2022-10-27. Review status: criteria provided, single submitter. Criteria: GeneDx Variant Classification Process June 2021. Collection method: clinical testing. Allele origin: germline. Affected: yes.
Comment: In silico analysis supports that this missense variant does not alter protein structure/function; Has not been previously published as pathogenic or benign to our knowledge